The following is an entry in ClinVar:

NM_005739.4(RASGRP1):c.1942C>T (p.Arg648Trp)

Gene: RASGRP1 (RAS guanyl releasing protein 1; minus strand). Cytogenetic location: 15q14.
Variant type: single nucleotide variant.
Coding change: c.1942C>T on transcript NM_005739.4 (MANE Select); coding-DNA position 1942, C replaced by T.
Protein change: p.Arg648Trp; replaces arginine 648 with tryptophan.
Molecular consequence: missense variant. On other transcripts: intron variant (1).
Genome position (GRCh38, 1-based): chr15:38,494,699, G>A on the plus strand (C>T on the coding strand, the complement: RASGRP1 is on the minus strand). VCF-style: chr15-38494699-G-A. GRCh37 (hg19) VCF-style: chr15-38786900-G-A.
Other names: c.1837C>T, p.Arg613Trp (NM_001128602.2); c.1769-4011C>T (NM_001306086.2); short protein forms R613W, R648W.
Identifiers: ClinVar variation 2907731 (VCV002907731.3), dbSNP rs759232410, ClinGen allele CA7470707.

ClinVar aggregate classification (germline): Uncertain significance (1 of 4 stars; one submission).

Allele frequency attached by ClinVar (database versions not stated): ExAC 0.00001.
gnomAD v4.1: 10 of 1,527,110 alleles (0.00065%); highest among the groups gnomAD compares: South Asian, 0.0066%; no homozygotes.

Submission:

Labcorp Genetics (formerly Invitae), Labcorp
Classification: Uncertain significance. Last evaluated: 2023-11-25. Review status: criteria provided, single submitter. Criteria: Invitae Variant Classification Sherloc (09022015). Collection method: clinical testing. Allele origin: germline.
Comment: This sequence change replaces arginine, which is basic and polar, with tryptophan, which is neutral and slightly polar, at codon 648 of the RASGRP1 protein (p.Arg648Trp). The frequency data for this variant in the population databases is considered unreliable, as metrics indicate poor data quality at this position in the gnomAD database. This variant has not been reported in the literature in individuals affected with RASGRP1-related conditions. Advanced modeling of protein sequence and biophysical properties (such as structural, functional, and spatial information, amino acid conservation, physicochemical variation, residue mobility, and thermodynamic stability) performed at Invitae indicates that this missense variant is not expected to disrupt RASGRP1 protein function with a negative predictive value of 80%. In summary, the available evidence is currently insufficient to determine the role of this variant in disease. Therefore, it has been classified as a Variant of Uncertain Significance.